The following is an entry in ClinVar:

ClinVar aggregate classification (germline): Uncertain significance (1 of 4 stars; one submission).

Submission:

Women's Health and Genetics/Laboratory Corporation of America, LabCorp
Classification: Uncertain significance. Last evaluated: 2023-07-13. Review status: criteria provided, single submitter. Criteria: LabCorp Variant Classification Summary - May 2015. Collection method: clinical testing. Allele origin: germline.
Comment: Variant summary: The variant identified by MLPA or other technology involves the duplication of exons 14-18 in the GFM1 gene. A presumed nomenclature of c.(1601+1_1602-1)_(*1106_?)dup has been designated for the purposes of this classification. It has been assumed that this is a tandem duplication in direct orientation (Richardson_GIM_2018, Newman_AJHG_2015). Although exact breakpoints of this duplication are not known, it is expected to result in a duplication including the last exon in the GFM1 gene. The variant was absent in 21694 control chromosomes (gnomAD, structural variants dataset). The available data on variant occurrences in the general population are insufficient to allow any conclusion about variant significance. Duplication of exons 14-18 has been reported in the literature in an infant affected with West syndrome (example: Barcia_2019). This report does not provide unequivocal conclusions about association of the variant with Combined Oxidative Phosphorylation Deficiency 1. To our knowledge, no experimental evidence demonstrating an impact on protein function has been reported. The following publication has been ascertained in the context of this evaluation (PMID: 31680380). One submitter has cited clinical-significance assessments for this variant to ClinVar after 2014 and has classified the variant as uncertain significance. Based on the evidence outlined above, the variant was classified as uncertain significance.

Literature cited by the submitters: PubMed 31680380.

NC_000003.11:g.(158384176_158399783)_(158410362_?)dup

Genes: GFM1 (G elongation factor mitochondrial 1; plus strand), LXN (latexin; minus strand). Cytogenetic location: 3q25.32.
Variant type: Duplication.
Identifiers: ClinVar variation 2577161 (VCV002577161.1).